The following is an entry in ClinVar:

NM_021956.5(GRIK2):c.1880T>G (p.Met627Arg)

Gene: GRIK2 (glutamate ionotropic receptor kainate type subunit 2; plus strand). Cytogenetic location: 6q16.3.
Variant type: single nucleotide variant.
Coding change: c.1880T>G on transcript NM_021956.5 (MANE Select); coding-DNA position 1880, T replaced by G.
Protein change: p.Met627Arg; replaces methionine 627 with arginine.
Molecular consequence: missense variant.
Genome position (GRCh38, 1-based): chr6:101,928,427, T>G. VCF-style: chr6-101928427-T-G. GRCh37 (hg19) VCF-style: chr6-102376302-T-G.
Other names: c.1880T>G (NM_021956.4); c.1880T>G, p.Met627Arg (NM_001166247.1, NM_175768.3); short protein forms M627R.
Identifiers: ClinVar variation 3025612 (VCV003025612.23), dbSNP rs376869536, ClinGen allele CA3939720.

ClinVar aggregate classification (germline): Uncertain significance. Review status: criteria provided, multiple submitters, no conflicts (2 of 4 stars). 2 submissions from 2 submitters: Uncertain significance (2). Last evaluated 2024-12-11.

Conditions:
Inborn genetic diseases. Identifiers: MedGen C0950123, MeSH D030342.

Allele frequency attached by ClinVar (database versions not stated): ExAC 0.00001; gnomAD exomes 0.00001; gnomAD 0.00003; ESP Exome Variant Server 0.00008.
gnomAD v4.1: 13 of 1,570,342 alleles (0.00083%); highest among the groups gnomAD compares: Non-Finnish European, 0.0011%; no homozygotes.

Submissions (2):

Ambry Genetics
Classification: Uncertain significance for Inborn genetic diseases. Last evaluated: 2024-12-11. Review status: criteria provided, single submitter. Criteria: Ambry Variant Classification Scheme 2023. Collection method: clinical testing. Allele origin: germline.

CeGaT Center for Human Genetics Tuebingen
Classification: Uncertain significance. Last evaluated: 2024-02-01. Review status: criteria provided, single submitter. Criteria: CeGaT Center For Human Genetics Tuebingen Variant Classification Criteria Version 2. Collection method: clinical testing. Allele origin: germline. Affected: yes. Observed: 1 variant allele.
Comment: GRIK2: PP3